The following is an entry in ClinVar:

NM_017534.6(MYH2):c.5221T>C (p.Ser1741Pro)

Genes: MYHAS (myosin heavy chain gene cluster antisense RNA; plus strand), MYH2 (myosin heavy chain 2; minus strand). Cytogenetic location: 17p13.1.
Variant type: single nucleotide variant.
Coding change: c.5221T>C on transcript NM_017534.6 (MANE Select); coding-DNA position 5221, T replaced by C.
Protein change: p.Ser1741Pro; replaces serine 1741 with proline.
Molecular consequence: missense variant.
Genome position (GRCh38, 1-based): chr17:10,523,839, A>G on the plus strand (T>C on the coding strand, the complement: MYH2 is on the minus strand). VCF-style: chr17-10523839-A-G. GRCh37 (hg19) VCF-style: chr17-10427156-A-G.
Other names: c.5221T>C, p.Ser1741Pro (NM_001100112.2); short protein forms S1741P.
Identifiers: ClinVar variation 2790704 (VCV002790704.3), dbSNP rs2073315307, ClinGen allele CA398118172.
Genomic context (GRCh38, chr17:10,523,839, plus strand): 5'-CCTTTTCTTCTGCATTGCGGGCTTCCTGGAGAATGTCCTCCATCTCTCCTTGCATTTGGG[A>G]AATATCTGTCTCCAGCTTCTTCTTGGTGTTGATCAGGCTGGTGTTCTGTTTAAAAAGAAT-3'
Protein context (NP_060004.3, residues 1731-1751): NTKKKLETDI[Ser1741Pro]QMQGEMEDIL

ClinVar aggregate classification (germline): Uncertain significance (1 of 4 stars; one submission).

Conditions:
Myopathy, proximal, and ophthalmoplegia (CMYO6). Also called: INCLUSION BODY MYOPATHY 3, AUTOSOMAL DOMINANT; CONGENITAL MYOPATHY 6 WITH OPHTHALMOPLEGIA; MYOPATHY WITH CONGENITAL JOINT CONTRACTURES, OPHTHALMOPLEGIA, AND RIMMED VACUOLES. Identifiers: Orphanet 363677, Orphanet 79091, MedGen C1854106, MONDO:0011577, OMIM 605637.

Allele frequency attached by ClinVar (database versions not stated): gnomAD exomes below 0.00001.
gnomAD v4.1: 3 of 1,614,014 alleles (0.00019%); highest among the groups gnomAD compares: Non-Finnish European, 0.00017%; no homozygotes.

Submission:

Labcorp Genetics (formerly Invitae), Labcorp
Classification: Uncertain significance for Myopathy, proximal, and ophthalmoplegia. Last evaluated: 2024-01-22. Review status: criteria provided, single submitter. Criteria: Invitae Variant Classification Sherloc (09022015). Collection method: clinical testing. Allele origin: germline.
Comment: This sequence change replaces serine, which is neutral and polar, with proline, which is neutral and non-polar, at codon 1741 of the MYH2 protein (p.Ser1741Pro). This variant is not present in population databases (gnomAD no frequency). This variant has not been reported in the literature in individuals affected with MYH2-related conditions. Advanced modeling of protein sequence and biophysical properties (such as structural, functional, and spatial information, amino acid conservation, physicochemical variation, residue mobility, and thermodynamic stability) performed at Invitae indicates that this missense variant is expected to disrupt MYH2 protein function with a positive predictive value of 80%. In summary, the available evidence is currently insufficient to determine the role of this variant in disease. Therefore, it has been classified as a Variant of Uncertain Significance.